The following is an entry in ClinVar:

NM_033641.4(COL4A6):c.623C>G (p.Pro208Arg)

Gene: COL4A6 (collagen type IV alpha 6 chain; minus strand). Cytogenetic location: Xq22.3.
Variant type: single nucleotide variant.
Coding change: c.623C>G on transcript NM_033641.4 (MANE Select); coding-DNA position 623, C replaced by G.
Protein change: p.Pro208Arg; replaces proline 208 with arginine.
Molecular consequence: missense variant.
Genome position (GRCh38, 1-based): chrX:108,205,682, G>C on the plus strand (C>G on the coding strand, the complement: COL4A6 is on the minus strand). VCF-style: chrX-108205682-G-C. GRCh37 (hg19) VCF-style: chrX-107448912-G-C.
Other names: c.626C>G (NM_001847.3, NM_001847.2); c.623C>G, p.Pro208Arg (NM_001287758.2, NM_001287759.2, NM_001287760.2); c.626C>G, p.Pro209Arg (NM_001847.4); short protein forms P208R, P209R.
Identifiers: ClinVar variation 1318245 (VCV001318245.8), dbSNP rs2295919, ClinGen allele CA10488073.

ClinVar aggregate classification (germline): Conflicting classifications of pathogenicity. Review status: criteria provided, conflicting classifications (1 of 4 stars). 5 submissions from 5 submitters: Uncertain significance (3); Likely benign (2). Last evaluated 2026-06-10.

Conditions:
COL4A6-related disorder. Also called: COL4A6-related condition.

Allele frequency attached by ClinVar (database versions not stated): TOPMed 0.00006; gnomAD 0.00008 and 0.00010; gnomAD exomes 0.00014; ExAC 0.00018; 1000 Genomes Project 30x 0.00021; 1000 Genomes Project 0.00026.
gnomAD v4.1: 139 of 1,204,825 alleles (0.012%); highest among the groups gnomAD compares: East Asian, 0.41%; no homozygotes.

Submissions (5):

PreventionGenetics, part of Exact Sciences
Classification: Likely benign for COL4A6-related condition. Last evaluated: 2026-06-10. Review status: criteria provided, single submitter. Criteria: ACMG Guidelines, 2015. Collection method: clinical testing. Allele origin: germline.
Comment: This variant is classified as likely benign based on ACMG/AMP sequence variant interpretation guidelines (Richards et al. 2015 PMID: 25741868, with internal and published modifications).

Labcorp Genetics (formerly Invitae), Labcorp
Classification: Uncertain significance. Last evaluated: 2025-06-22. Review status: criteria provided, single submitter. Criteria: Invitae Variant Classification Sherloc (09022015). Collection method: clinical testing. Allele origin: germline.
Comment: This sequence change replaces proline, which is neutral and non-polar, with arginine, which is basic and polar, at codon 209 of the COL4A6 protein (p.Pro209Arg). The frequency data for this variant in the population databases is considered unreliable, as metrics indicate poor data quality at this position in the gnomAD database. This variant has not been reported in the literature in individuals affected with COL4A6-related conditions. ClinVar contains an entry for this variant (Variation ID: 1318245). Invitae Evidence Modeling of protein sequence and biophysical properties (such as structural, functional, and spatial information, amino acid conservation, physicochemical variation, residue mobility, and thermodynamic stability) indicates that this missense variant is not expected to disrupt COL4A6 protein function with a negative predictive value of 80%. In summary, the available evidence is currently insufficient to determine the role of this variant in disease. Therefore, it has been classified as a Variant of Uncertain Significance.

Ambry Genetics
Classification: Uncertain significance. Last evaluated: 2024-04-19. Review status: criteria provided, single submitter. Criteria: Ambry Variant Classification Scheme 2023. Collection method: clinical testing. Allele origin: germline.

GeneDx
Classification: Likely benign. Last evaluated: 2020-09-13. Review status: criteria provided, single submitter. Criteria: GeneDx Variant Classification Process June 2021. Collection method: clinical testing. Allele origin: germline. Affected: yes.

Blueprint Genetics
Classification: Uncertain significance. Last evaluated: 2020-03-04. Review status: criteria provided, single submitter. Criteria: ACMG Guidelines, 2015. Collection method: clinical testing. Allele origin: germline.